The following is an entry in ClinVar:

ClinVar aggregate classification (germline): Uncertain significance (1 of 4 stars; one submission).

Submission:

GeneDx
Classification: Uncertain significance. Last evaluated: 2013-03-04. Review status: criteria provided, single submitter. Criteria: GeneDx Variant Classification (06012015). Collection method: clinical testing. Allele origin: germline. Affected: yes.
Comment: p.Gly525Arg (GGT>CGT): c.1573 G>C in exon 9 of the LDB3 gene (NM_007078.2). The Gly525Arg variant in the LDB3 gene has not been reported as a disease-causing mutation or as a benign polymorphism to our knowledge. Gly525Arg results in a non-conservative amino acid substitution of a non-polar Glycine with a positively charged Arginine at a position that is not well conserved across species. No mutations in nearby codons have been reported in association with cardiomyopathy, indicating this region of the protein may be tolerant of change. Nevertheless, the Gly525Arg variant was not observed in approximately 6,500 individuals of European and African American ancestry in the NHLBI Exome Sequencing Project, indicating it is not a common benign variant in these populations. With the clinical and molecular information available at this time, we cannot definitively determine if Gly525Arg is a disease-causing mutation or a rare benign variant. The variant is found in DCM panel(s).

NM_007078.3(LDB3):c.1573G>C (p.Gly525Arg)

Gene: LDB3 (LIM domain binding 3; plus strand). Cytogenetic location: 10q23.2.
Variant type: single nucleotide variant.
Coding change: c.1573G>C on transcript NM_007078.3 (MANE Select); coding-DNA position 1573, G replaced by C.
Protein change: p.Gly525Arg; replaces glycine 525 with arginine.
Molecular consequence: missense variant. On other transcripts: genic downstream transcript variant (1).
Genome position (GRCh38, 1-based): chr10:86,716,668, G>C. VCF-style: chr10-86716668-G-C. GRCh37 (hg19) VCF-style: chr10-88476425-G-C.
Other names: p.G525R:GGT>CGT; c.*17294G>C (LRG_385t2, NM_001080116.1); c.1573G>C (LRG_385t1); c.1243G>C, p.Gly415Arg (NM_001080114.2); c.1588G>C, p.Gly530Arg (NM_001171610.2); c.1384G>C, p.Gly462Arg (NM_001368064.1, NM_001368065.1); c.1432G>C, p.Gly478Arg (NM_001368066.1); short protein forms G525R, G478R, G530R, G415R, G462R.
Identifiers: ClinVar variation 201851 (VCV000201851.2), dbSNP rs794729063, ClinGen allele CA308639.